The following is an entry in ClinVar:

NM_014444.5(TUBGCP4):c.40G>A (p.Gly14Arg)

Gene: TUBGCP4 (tubulin gamma complex component 4; plus strand). Cytogenetic location: 15q15.3.
Variant type: single nucleotide variant.
Coding change: c.40G>A on transcript NM_014444.5 (MANE Select); coding-DNA position 40, G replaced by A.
Protein change: p.Gly14Arg; replaces glycine 14 with arginine.
Molecular consequence: missense variant.
Genome position (GRCh38, 1-based): chr15:43,371,394, G>A. VCF-style: chr15-43371394-G-A. GRCh37 (hg19) VCF-style: chr15-43663592-G-A.
Other names: c.40G>A (NM_014444.2); c.40G>A, p.Gly14Arg (NM_001286414.3); short protein forms G14R.
Identifiers: ClinVar variation 1365407 (VCV001365407.9), dbSNP rs2044117953, ClinGen allele CA392112876.
Genomic context (GRCh38, chr15:43,371,394, plus strand): 5'-GACTCGAGGTCCGCCGTGGGAATGATCCACGAACTGCTCTTGGCTCTGAGCGGGTACCCT[G>A]GGTCCATTTTCACCTGGAACAAGCGGAGTGGCCTGCAGGTACTGTCCGGCGCAGAGCGCG-3'
Protein context (NP_055259.2, residues 4-24): ELLLALSGYP[Gly14Arg]SIFTWNKRSG

ClinVar aggregate classification (germline): Uncertain significance. Review status: criteria provided, multiple submitters, no conflicts (2 of 4 stars). 2 submissions from 2 submitters: Uncertain significance (2). Last evaluated 2025-08-01.

Conditions:
Inborn genetic diseases. Identifiers: MedGen C0950123, MeSH D030342.

Allele frequency attached by ClinVar (database versions not stated): gnomAD exomes below 0.00001.

Submissions (2):

Ambry Genetics
Classification: Uncertain significance for Inborn genetic diseases. Last evaluated: 2025-08-01. Review status: criteria provided, single submitter. Criteria: Ambry Variant Classification Scheme 2023. Collection method: clinical testing. Allele origin: germline.

Labcorp Genetics (formerly Invitae), Labcorp
Classification: Uncertain significance. Last evaluated: 2022-03-03. Review status: criteria provided, single submitter. Criteria: Invitae Variant Classification Sherloc (09022015). Collection method: clinical testing. Allele origin: germline.
Comment: This sequence change replaces glycine, which is neutral and non-polar, with arginine, which is basic and polar, at codon 14 of the TUBGCP4 protein (p.Gly14Arg). This variant is not present in population databases (gnomAD no frequency). This variant has not been reported in the literature in individuals affected with TUBGCP4-related conditions. Algorithms developed to predict the effect of missense changes on protein structure and function are either unavailable or do not agree on the potential impact of this missense change (SIFT: "Tolerated"; PolyPhen-2: "Probably Damaging"; Align-GVGD: "Class C0"). Algorithms developed to predict the effect of sequence changes on RNA splicing suggest that this variant may create or strengthen a splice site. In summary, the available evidence is currently insufficient to determine the role of this variant in disease. Therefore, it has been classified as a Variant of Uncertain Significance.